The following is an entry in ClinVar:

NM_000363.5(TNNI3):c.497C>A (p.Ser166Tyr)

Gene: TNNI3 (troponin I3, cardiac type; minus strand). Cytogenetic location: 19q13.42.
Variant type: single nucleotide variant.
Coding change: c.497C>A on transcript NM_000363.5 (MANE Select); coding-DNA position 497, C replaced by A.
Protein change: p.Ser166Tyr; replaces serine 166 with tyrosine.
Molecular consequence: missense variant.
Genome position (GRCh38, 1-based): chr19:55,154,082, G>T on the plus strand (C>A on the coding strand, the complement: TNNI3 is on the minus strand). VCF-style: chr19-55154082-G-T. GRCh37 (hg19) VCF-style: chr19-55665450-G-T.
Other names: short protein forms S166Y.
Identifiers: ClinVar variation 3231264 (VCV003231264.1), dbSNP rs727504242, ClinGen allele CA407440324.

ClinVar aggregate classification (germline): Uncertain significance (1 of 4 stars; one submission).

Conditions:
Cardiovascular phenotype. Identifiers: MedGen CN230736.

Submission:

Ambry Genetics
Classification: Uncertain significance for Cardiovascular phenotype. Last evaluated: 2024-02-09. Review status: criteria provided, single submitter. Criteria: Ambry Variant Classification Scheme 2023. Collection method: clinical testing. Allele origin: germline.
Comment: The p.S166Y variant (also known as c.497C>A), located in coding exon 7 of the TNNI3 gene, results from a C to A substitution at nucleotide position 497. The serine at codon 166 is replaced by tyrosine, an amino acid with dissimilar properties. This amino acid position is not well conserved in available vertebrate species. In addition, the in silico prediction for this alteration is inconclusive. Based on the available evidence, the clinical significance of this alteration remains unclear.